The following is an entry in ClinVar:

NM_000039.3(APOA1):c.286T>C (p.Trp96Arg)

Genes: APOA1 (apolipoprotein A1; minus strand), APOA1-AS (APOA1 antisense RNA; plus strand). Cytogenetic location: 11q23.3.
Variant type: single nucleotide variant.
Coding change: c.286T>C on transcript NM_000039.3 (MANE Select); coding-DNA position 286, T replaced by C.
Protein change: p.Trp96Arg; replaces tryptophan 96 with arginine.
Molecular consequence: missense variant. On other transcripts: 5 prime UTR variant (3).
Genome position (GRCh38, 1-based): chr11:116,836,326, A>G on the plus strand (T>C on the coding strand, the complement: APOA1 is on the minus strand). VCF-style: chr11-116836326-A-G. GRCh37 (hg19) VCF-style: chr11-116707042-A-G.
Other names: c.286T>C, p.Trp96Arg (NM_001318017.2, NM_001318018.2, NM_001425090.1 and 1 more transcripts); c.-42T>C (NM_001318021.2, NM_001425091.1, NM_001425092.1); short protein forms W96R.
Identifiers: ClinVar variation 4812879 (VCV004812879.2).

ClinVar aggregate classification (germline): Pathogenic (0 of 4 stars; one submission).

Conditions:
Familial amyloid polyneuropathy, Iowa type (AMYLD3). Also called: AMYLOIDOSIS, HEREDITARY SYSTEMIC 3; AMYLOIDOSIS, IOWA TYPE; AMYLOIDOSIS, VAN ALLEN TYPE; AMYLOIDOSIS, TYPE III; AMYLOIDOSIS, TYPE IV; Familial amyloid polyneuropathy type III. Identifiers: MedGen C4551500, MONDO:0971008, OMIM 620657.

Submission:

Amyloidosis Center, Boston University School of Medicine
Classification: Pathogenic for Familial amyloid polyneuropathy, Iowa type. Review status: no assertion criteria provided. Collection method: clinical testing. Allele origin: unknown. Inheritance: Codominant. Affected: yes. Observed: 1 variant allele, 1 heterozygote.
Comment: Amyloid deposits contained full-length apoA-I featuring a novel p.Tyr96Arg (Tyr72Arg) variant identified by Sanger gene sequencing. The variant was detected in amyloid deposits by liquid chromatography assisted tandem mass spectrometry and in circulation by protein individual ion mass spectrometry. In in-vitro experiments, the p.Tyr96Arg (Tyr72Arg) substitution destabilized native apoA-I structure, increased solvent accessibility of amyloid-prone regions, and promoted pro-amyloidogenic interactions with heparin and collagen.